The following is an entry in ClinVar:

NM_030761.5(WNT4):c.289G>A (p.Val97Ile)

Gene: WNT4 (Wnt family member 4; minus strand). Cytogenetic location: 1p36.12.
Variant type: single nucleotide variant.
Coding change: c.289G>A on transcript NM_030761.5 (MANE Select); coding-DNA position 289, G replaced by A.
Protein change: p.Val97Ile; replaces valine 97 with isoleucine.
Molecular consequence: missense variant.
Genome position (GRCh38, 1-based): chr1:22,129,640, C>T on the plus strand (G>A on the coding strand, the complement: WNT4 is on the minus strand). VCF-style: chr1-22129640-C-T. GRCh37 (hg19) VCF-style: chr1-22456133-C-T.
Other names: short protein forms V97I.
Identifiers: ClinVar variation 1416745 (VCV001416745.6), dbSNP rs760357534, ClinGen allele CA675475.

ClinVar aggregate classification (germline): Uncertain significance (1 of 4 stars; one submission).

Allele frequency attached by ClinVar (database versions not stated): TOPMed below 0.00001; ExAC 0.00003; gnomAD exomes 0.00003.
gnomAD v4.1: 17 of 1,613,654 alleles (0.0011%); highest among the groups gnomAD compares: East Asian, 0.0045%; no homozygotes.

Submission:

Labcorp Genetics (formerly Invitae), Labcorp
Classification: Uncertain significance. Last evaluated: 2021-10-12. Review status: criteria provided, single submitter. Criteria: Invitae Variant Classification Sherloc (09022015). Collection method: clinical testing. Allele origin: germline.
Comment: In summary, the available evidence is currently insufficient to determine the role of this variant in disease. Therefore, it has been classified as a Variant of Uncertain Significance. Algorithms developed to predict the effect of missense changes on protein structure and function (SIFT, PolyPhen-2, Align-GVGD) all suggest that this variant is likely to be disruptive. This variant has not been reported in the literature in individuals affected with WNT4-related conditions. This variant is present in population databases (rs760357534, ExAC 0.02%). This sequence change replaces valine with isoleucine at codon 97 of the WNT4 protein (p.Val97Ile). The valine residue is highly conserved and there is a small physicochemical difference between valine and isoleucine.